The following is an entry in ClinVar:

NM_002878.4(RAD51D):c.899G>C (p.Arg300Pro)

Genes: RAD51D (RAD51 paralog D; minus strand), RAD51L3-RFFL (RAD51L3-RFFL readthrough; minus strand). Cytogenetic location: 17q12.
Variant type: single nucleotide variant.
Coding change: c.899G>C on transcript NM_002878.4 (MANE Select); coding-DNA position 899, G replaced by C.
Protein change: p.Arg300Pro; replaces arginine 300 with proline.
Molecular consequence: missense variant. On other transcripts: non-coding transcript variant (3).
Genome position (GRCh38, 1-based): chr17:35,101,205, C>G on the plus strand (G>C on the coding strand, the complement: RAD51D is on the minus strand). VCF-style: chr17-35101205-C-G. GRCh37 (hg19) VCF-style: chr17-33428224-C-G.
Other names: c.959G>C, p.Arg320Pro (NM_001142571.2); c.563G>C, p.Arg188Pro (NM_133629.3); short protein forms R188P, R320P, R300P.
Identifiers: ClinVar variation 2751810 (VCV002751810.3), dbSNP rs761290755, ClinGen allele CA8499323.

ClinVar aggregate classification (germline): Uncertain significance (1 of 4 stars; one submission).

Conditions:
Breast-ovarian cancer, familial, susceptibility to, 4. Identifiers: Orphanet 145, MedGen C3280345, MONDO:0013669, OMIM 614291.

gnomAD v4.1: 1 of 1,614,072 alleles (0.000062%); highest among the groups gnomAD compares: South Asian, 0.0011%; no homozygotes.

Submission:

Labcorp Genetics (formerly Invitae), Labcorp
Classification: Uncertain significance for Breast-ovarian cancer, familial, susceptibility to, 4. Last evaluated: 2023-08-11. Review status: criteria provided, single submitter. Criteria: Invitae Variant Classification Sherloc (09022015). Collection method: clinical testing. Allele origin: germline.
Comment: This sequence change replaces arginine, which is basic and polar, with proline, which is neutral and non-polar, at codon 300 of the RAD51D protein (p.Arg300Pro). This variant is present in population databases (rs761290755, gnomAD 0.003%). This variant has not been reported in the literature in individuals affected with RAD51D-related conditions. Advanced modeling of protein sequence and biophysical properties (such as structural, functional, and spatial information, amino acid conservation, physicochemical variation, residue mobility, and thermodynamic stability) performed at Invitae indicates that this missense variant is expected to disrupt RAD51D protein function. In summary, the available evidence is currently insufficient to determine the role of this variant in disease. Therefore, it has been classified as a Variant of Uncertain Significance.